The following is an entry in ClinVar:

NM_001127222.2(CACNA1A):c.3457del (p.Gln1153fs)

Gene: CACNA1A (calcium voltage-gated channel subunit alpha1 A; minus strand). Cytogenetic location: 19p13.13.
Variant type: Deletion.
Coding change: c.3457del on transcript NM_001127222.2 (MANE Select); coding-DNA position 3457, one base deleted (C; older notation c.3457delC).
Protein change: p.Gln1153fs; shifts the reading frame from glutamine 1153.
Molecular consequence: frameshift variant.
Genome position (GRCh38, 1-based): chr19:13,286,599, G deleted on the plus strand (C on the coding strand, the reverse complement: CACNA1A is on the minus strand); the first of 3 consecutive G bases (chr19:13,286,599-13,286,601); deleting any one gives the same sequence. VCF-style (leftmost placement, unchanged base first): chr19-13286598-TG-T. GRCh37 (hg19) VCF-style: chr19-13397412-TG-T.
Other names: c.3469del, p.Gln1157fs (NM_000068.4, NM_023035.3); c.3460del, p.Gln1154fs (NM_001127221.2, NM_001174080.2); short protein forms Q1153fs, Q1154fs, Q1157fs.
Identifiers: ClinVar variation 3392553 (VCV003392553.2).

ClinVar aggregate classification (germline): Pathogenic (1 of 4 stars; one submission).

Conditions:
Episodic ataxia type 2 (EA2). Also called: ATAXIA, EPISODIC, WITH NYSTAGMUS; ATAXIA, FAMILIAL PAROXYSMAL; CEREBELLAR ATAXIA, PAROXYSMAL, ACETAZOLAMIDE-RESPONSIVE; CEREBELLOPATHY, HEREDITARY PAROXYSMAL; EPISODIC ATAXIA, NYSTAGMUS-ASSOCIATED; ACETAZOLAMIDE-RESPONSIVE HEREDITARY PAROXYSMAL CEREBELLAR ATAXIA. Identifiers: Orphanet 97, MedGen C1720416, MONDO:0007163, OMIM 108500.

Submission:

MVZ Medizinische Genetik Mainz
Classification: Pathogenic for Episodic ataxia type 2. Last evaluated: 2025-01-15. Review status: criteria provided, single submitter. Criteria: UK Practice Guidelines For Variant Classification V4 01 2020. Collection method: clinical testing. Allele origin: germline. Inheritance: Autosomal dominant inheritance. Affected: yes. Observed: 1 variant allele.
Comment: ACMG Criteria: PVS1,PM2_SUP